The following is an entry in ClinVar:

ClinVar aggregate classification (germline): Pathogenic/Likely pathogenic. Review status: criteria provided, multiple submitters, no conflicts (2 of 4 stars). 2 submissions from 2 submitters: Pathogenic (1); Likely pathogenic (1). Last evaluated 2024-01-25.

Conditions:
NOTCH3-related disorder. Also called: NOTCH3-related condition; NOTCH3-related disorders.

Submissions (2):

Athena Diagnostics
Classification: Pathogenic. Last evaluated: 2024-01-25. Review status: criteria provided, single submitter. Criteria: Athena Diagnostics Criteria. Collection method: clinical testing. Allele origin: unknown.
Comment: This variant has been identified in at least one individual with clinical features associated with CADASIL. This variant has not been reported in large, multi-ethnic general populations. This variant alters a critical location within the protein, and is expected to severely affect function and cause disease. Greater than 90% of NOTCH3 pathogenic variants associated with CADASIL involve the gain or loss of a cysteine residue within the epidermal growth factor (EGF)-like repeat domain (PMID: 32457593, 20301673).

Blueprint Genetics
Classification: Likely pathogenic for NOTCH3-related disorders. Last evaluated: 2021-10-22. Review status: criteria provided, single submitter. Criteria: ACMG Guidelines, 2015. Collection method: clinical testing. Allele origin: germline. Affected: yes. Observed: 1 variant allele.

NM_000435.3(NOTCH3):c.502T>A (p.Cys168Ser)

Gene: NOTCH3 (notch receptor 3; minus strand). Cytogenetic location: 19p13.12.
Variant type: single nucleotide variant.
Coding change: c.502T>A on transcript NM_000435.3 (MANE Select); coding-DNA position 502, T replaced by A.
Protein change: p.Cys168Ser; replaces cysteine 168 with serine.
Molecular consequence: missense variant.
Genome position (GRCh38, 1-based): chr19:15,192,137, A>T on the plus strand (T>A on the coding strand, the complement: NOTCH3 is on the minus strand). VCF-style: chr19-15192137-A-T. GRCh37 (hg19) VCF-style: chr19-15302948-A-T.
Other names: short protein forms C168S.
Identifiers: ClinVar variation 1807386 (VCV001807386.3), dbSNP rs1212814399, ClinGen allele CA404533820.